The following is an entry in ClinVar:

NM_032043.3(BRIP1):c.697A>C (p.Ile233Leu)

Gene: BRIP1 (BRCA1 interacting DNA helicase 1; minus strand). Cytogenetic location: 17q23.2.
Variant type: single nucleotide variant.
Coding change: c.697A>C on transcript NM_032043.3 (MANE Select); coding-DNA position 697, A replaced by C.
Protein change: p.Ile233Leu; replaces isoleucine 233 with leucine.
Molecular consequence: missense variant.
Genome position (GRCh38, 1-based): chr17:61,808,688, T>G on the plus strand (A>C on the coding strand, the complement: BRIP1 is on the minus strand). VCF-style: chr17-61808688-T-G. GRCh37 (hg19) VCF-style: chr17-59886049-T-G.
Other names: short protein forms I233L.
Identifiers: ClinVar variation 3756831 (VCV003756831.2).

ClinVar aggregate classification (germline): Uncertain significance (1 of 4 stars; one submission).

Conditions:
Fanconi anemia complementation group J. Also called: BRIP1-Related Fanconi Anemia. Identifiers: Orphanet 84, MedGen C1836860, MONDO:0012187, OMIM 609054.
Familial cancer of breast. Also called: BREAST CANCER, FAMILIAL; Hereditary breast cancer; hereditary breast carcinoma. Identifiers: Orphanet 227535, MedGen C0346153, MONDO:0016419, OMIM 114480. Disease mechanism: loss of function.

Submission:

Labcorp Genetics (formerly Invitae), Labcorp
Classification: Uncertain significance for Familial cancer of breast; Fanconi anemia complementation group J. Last evaluated: 2024-06-15. Review status: criteria provided, single submitter. Criteria: Invitae Variant Classification Sherloc (09022015). Collection method: clinical testing. Allele origin: germline.
Comment: This sequence change replaces isoleucine, which is neutral and non-polar, with leucine, which is neutral and non-polar, at codon 233 of the BRIP1 protein (p.Ile233Leu). This variant is not present in population databases (gnomAD no frequency). This variant has not been reported in the literature in individuals affected with BRIP1-related conditions. Advanced modeling of protein sequence and biophysical properties (such as structural, functional, and spatial information, amino acid conservation, physicochemical variation, residue mobility, and thermodynamic stability) performed at Invitae indicates that this missense variant is not expected to disrupt BRIP1 protein function with a negative predictive value of 80%. In summary, the available evidence is currently insufficient to determine the role of this variant in disease. Therefore, it has been classified as a Variant of Uncertain Significance.